The following is an entry in ClinVar:

NM_000168.6(GLI3):c.537C>T (p.His179=)

Gene: GLI3 (GLI family zinc finger 3; minus strand). Cytogenetic location: 7p14.1.
Variant type: single nucleotide variant.
Coding change: c.537C>T on transcript NM_000168.6 (MANE Select); coding-DNA position 537, C replaced by T.
Protein change: p.His179=; no amino-acid change (histidine 179 retained).
Molecular consequence: synonymous variant.
Genome position (GRCh38, 1-based): chr7:42,048,633, G>A on the plus strand (C>T on the coding strand, the complement: GLI3 is on the minus strand). VCF-style: chr7-42048633-G-A. GRCh37 (hg19) VCF-style: chr7-42088232-G-A.
Other names: p.His179=.
Identifiers: ClinVar variation 255445 (VCV000255445.19), dbSNP rs3898405, ClinGen allele CA4231151.
Genomic context (GRCh38, chr7:42,048,633, plus strand): 5'-GGGATTAATGTAGGGATGTGGAGGGCTGAAGGGAGACTCGGAAGCAGCAGTGGGGTTCCG[G>A]TGTGGGGAGATCCTAATGAAGGGCAGGTCCGGATACGTAGGGCTACTAGATAAGGCGGAA-3'
Protein context (NP_000159.3, residues 169-189): PDLPFIRISP[His179=]RNPTAASESP

ClinVar aggregate classification (germline): Benign. Review status: criteria provided, multiple submitters, no conflicts (2 of 4 stars). 10 submissions from 8 submitters: Benign (8). 2 of the submissions do not count toward it. Last evaluated 2026-02-03.

Conditions:
Polydactyly. Also called: polydactylism. Identifiers: MedGen C0152427, MONDO:0021003, OMIM 603596, HP:0010442.
Greig cephalopolysyndactyly syndrome (GCPS). Also called: GLI3-Related Greig Cephalopolysyndactyly Syndrome; POLYSYNDACTYLY WITH PECULIAR SKULL SHAPE; Greig syndrome. Identifiers: Orphanet 380, MedGen C0265306, MONDO:0008287, OMIM 175700.
Pallister-Hall syndrome (PHS). Also called: HYPOTHALAMIC HAMARTOBLASTOMA, HYPOPITUITARISM, IMPERFORATE ANUS, AND POSTAXIAL POLYDACTYLY; GLI3-Related Pallister-Hall Syndrome. Identifiers: Orphanet 672, MedGen C0265220, MONDO:0007804, OMIM 146510.

Allele frequency attached by ClinVar (database versions not stated): 1000 Genomes Project 30x 0.03139; 1000 Genomes Project 0.03335; TOPMed 0.05905; gnomAD exomes 0.06802 and 0.08762; ExAC 0.06915; gnomAD 0.06916 and 0.07173; ESP Exome Variant Server 0.06989.
gnomAD v4.1: 137,469 of 1,609,700 alleles (8.5%); highest among the groups gnomAD compares: Non-Finnish European, 9.9%; 6,875 homozygotes.

Submissions (10):

Labcorp Genetics (formerly Invitae), Labcorp
Classification: Benign for Pallister-Hall syndrome; Greig cephalopolysyndactyly syndrome. Last evaluated: 2026-02-03. Review status: criteria provided, single submitter. Criteria: Invitae Variant Classification Sherloc (09022015). Collection method: clinical testing. Allele origin: germline.

Blueprint Genetics
Classification: Benign. Last evaluated: 2024-11-27. Review status: criteria provided, single submitter. Criteria: ACMG Guidelines, 2015. Collection method: clinical testing. Allele origin: germline.

Mayo Clinic Laboratories, Mayo Clinic
Classification: Benign. Last evaluated: 2022-03-09. Review status: criteria provided, single submitter. Criteria: ACMG Guidelines, 2015. Collection method: clinical testing. Allele origin: germline. Observed: 7 variant alleles.

Illumina Laboratory Services, Illumina
Classification: Benign for Polydactyly. Last evaluated: 2018-01-12. Review status: criteria provided, single submitter. Criteria: ICSL Variant Classification Criteria 13 December 2019. Collection method: clinical testing. Allele origin: germline.
Comment: This variant was observed in the ICSL laboratory as part of a predisposition screen in an ostensibly healthy population. It had not been previously curated by ICSL or reported in the Human Gene Mutation Database (HGMD: prior to June 1st, 2018), and was therefore a candidate for classification through an automated scoring system. Utilizing variant allele frequency, disease prevalence and penetrance estimates, and inheritance mode, an automated score was calculated to assess if this variant is too frequent to cause the disease. Based on the score and internal cut-off values, a variant classified as benign is not then subjected to further curation. The score for this variant resulted in a classification of benign for this disease.

Illumina Laboratory Services, Illumina
Classification: Benign for Pallister-Hall syndrome. Last evaluated: 2018-01-12. Review status: criteria provided, single submitter. Criteria: ICSL Variant Classification Criteria 13 December 2019. Collection method: clinical testing. Allele origin: germline.
Comment: the same text as in the submission from Illumina Laboratory Services, Illumina above.

Illumina Laboratory Services, Illumina
Classification: Benign for Greig cephalopolysyndactyly syndrome. Last evaluated: 2018-01-12. Review status: criteria provided, single submitter. Criteria: ICSL Variant Classification Criteria 13 December 2019. Collection method: clinical testing. Allele origin: germline.
Comment: the same text as in the submission from Illumina Laboratory Services, Illumina above.

GeneDx
Classification: Benign. Last evaluated: 2015-03-03. Review status: criteria provided, single submitter. Criteria: GeneDx Variant Classification Process June 2021. Collection method: clinical testing. Allele origin: germline. Affected: yes.

PreventionGenetics, part of Exact Sciences
Classification: Benign. Review status: criteria provided, single submitter. Criteria: ACMG Guidelines, 2015. Collection method: clinical testing. Allele origin: germline.

Clinical Genetics DNA and cytogenetics Diagnostics Lab, Erasmus MC, Erasmus Medical Center
Classification: Benign. Review status: no assertion criteria provided. Collection method: clinical testing. Allele origin: germline. Affected: yes. Study: VKGL Data-share Consensus. Not counted in ClinVar's aggregate classification.

Clinical Genetics, Academic Medical Center
Classification: Benign. Review status: no assertion criteria provided. Collection method: clinical testing. Allele origin: germline. Affected: yes. Study: VKGL Data-share Consensus. Not counted in ClinVar's aggregate classification.